The following is an entry in ClinVar:

ClinVar aggregate classification (germline): Pathogenic (1 of 4 stars; one submission).

Conditions:
Inborn genetic diseases. Identifiers: MedGen C0950123, MeSH D030342.

Submission:

Ambry Genetics
Classification: Pathogenic for Inborn genetic diseases. Last evaluated: 2013-07-18. Review status: criteria provided, single submitter. Criteria: Ambry Autosomal Dominant and X-Linked criteria (10/2015). Collection method: clinical testing. Allele origin: germline. Observed: 1 variant allele.
Comment: The c.5860G>A (p.G1954R) alteration is located in exon 24 (CDS 24) of the HCFC1 gene. This alteration results from a G to A substitution at nucleotide position 5860. The glycine (G) at codon 1954 is replaced by arginine (R).The missense change is not observed in healthy cohorts:Based on data from the NHLBI Exome Sequencing Project (ESP), the HCFC1 c.5860G>A (p.G1954R) alteration was not observed among 6,213 individuals tested (0.0%). Allele frequency data for this nucleotide position are not currently available from the 1000 Genomes Project and the alteration is not currently listed in the Database of Single Nucleotide Polymorphisms (dbSNP).The altered amino acid is conserved throughout evolution:The G1954 amino acid is conserved throughout vertebrates. The alteration is predicted deleterious by in silico models:The p.G1954R alteration is predicted to be probably damaging by Polyphen and deleterious by SIFT in silico analyses. Based on the available evidence, the HCFC1: c.5860G>A p.G1954R alteration is classified as a pathogenic mutation.

NM_005334.3(HCFC1):c.5860G>A (p.Gly1954Arg)

Gene: HCFC1 (host cell factor C1; minus strand). Cytogenetic location: Xq28.
Variant type: single nucleotide variant.
Coding change: c.5860G>A on transcript NM_005334.3 (MANE Select); coding-DNA position 5860, G replaced by A.
Protein change: p.Gly1954Arg; replaces glycine 1954 with arginine.
Molecular consequence: missense variant.
Genome position (GRCh38, 1-based): chrX:153,950,387, C>T on the plus strand (G>A on the coding strand, the complement: HCFC1 is on the minus strand). VCF-style: chrX-153950387-C-T. GRCh37 (hg19) VCF-style: chrX-153215838-C-T.
Other names: short protein forms G1954R.
Identifiers: ClinVar variation 208691 (VCV000208691.4), dbSNP rs797044886, ClinGen allele CA204692.